The following is an entry in ClinVar:

ClinVar aggregate classification (germline): Uncertain significance. Review status: criteria provided, single submitter (1 of 4 stars). 2 submissions from 2 submitters: Uncertain significance (1). 1 of the submissions does not count toward it. Last evaluated 2025-10-22.

Conditions:
Retinal dystrophy. Also called: Inherited retinal dystrophy. Identifiers: Orphanet 71862, MedGen C0854723, MeSH D058499, MONDO:0019118, HP:0000556.

gnomAD v4.1: 2 of 1,614,010 alleles (0.00012%); highest among the groups gnomAD compares: Non-Finnish European, 0.00017%; no homozygotes.

Submissions (2):

Labcorp Genetics (formerly Invitae), Labcorp
Classification: Uncertain significance. Last evaluated: 2025-10-22. Review status: criteria provided, single submitter. Criteria: Invitae Variant Classification Sherloc (09022015). Collection method: clinical testing. Allele origin: germline.
Comment: This sequence change replaces aspartic acid, which is acidic and polar, with glycine, which is neutral and non-polar, at codon 32 of the FBLN5 protein (p.Asp32Gly). The frequency data for this variant in the population databases is considered unreliable, as metrics indicate poor data quality at this position in the gnomAD database. This variant has not been reported in the literature in individuals affected with FBLN5-related conditions. ClinVar contains an entry for this variant (Variation ID: 3249259). An algorithm developed to predict the effect of missense changes on protein structure and function (PolyPhen-2) suggests that this variant is likely to be tolerated. In summary, the available evidence is currently insufficient to determine the role of this variant in disease. Therefore, it has been classified as a Variant of Uncertain Significance.

Institute of Human Genetics, Univ. Regensburg, Univ. Regensburg
Classification: Uncertain significance for Retinal dystrophy. Last evaluated: 2022-01-01. Review status: no assertion criteria provided. Criteria: ACMG Guidelines, 2015. Collection method: clinical testing. Allele origin: germline. Affected: yes. Not counted in ClinVar's aggregate classification.

NM_006329.4(FBLN5):c.95A>G (p.Asp32Gly)

Gene: FBLN5 (fibulin 5; minus strand). Cytogenetic location: 14q32.12.
Variant type: single nucleotide variant.
Coding change: c.95A>G on transcript NM_006329.4 (MANE Select); coding-DNA position 95, A replaced by G.
Protein change: p.Asp32Gly; replaces aspartic acid 32 with glycine.
Molecular consequence: missense variant. On other transcripts: 5 prime UTR variant (2).
Genome position (GRCh38, 1-based): chr14:91,940,594, T>C on the plus strand (A>G on the coding strand, the complement: FBLN5 is on the minus strand). VCF-style: chr14-91940594-T-C. GRCh37 (hg19) VCF-style: chr14-92406938-T-C.
Other names: c.95A>G, p.Asp32Gly (NM_001384158.1, NM_001384160.1); c.146A>G, p.Asp49Gly (NM_001384159.1); c.-175A>G (NM_001384161.1, NM_001384162.1); short protein forms D32G, D49G.
Identifiers: ClinVar variation 3249259 (VCV003249259.2).
Genomic context (GRCh38, chr14:91,940,594, plus strand): 5'-ACCCCAATGAAGGATCCACAGTGGCTCATACCTAAACACTGTCCTGACTGGCGATCCAGG[T>C]CAAAGCCATTCGTGCACTGTGCCTGCAGGGAAGGAGAGAGGAGAAACAGGCAAGGTCATT-3'
Protein context (NP_006320.2, residues 22-42): NAQAQCTNGF[Asp32Gly]LDRQSGQCLD